The following is an entry in ClinVar:

NM_020975.6(RET):c.443C>T (p.Ser148Phe)

Gene: RET (ret proto-oncogene; plus strand). Cytogenetic location: 10q11.21.
Variant type: single nucleotide variant.
Coding change: c.443C>T on transcript NM_020975.6 (MANE Select); coding-DNA position 443, C replaced by T.
Protein change: p.Ser148Phe; replaces serine 148 with phenylalanine.
Molecular consequence: missense variant.
Genome position (GRCh38, 1-based): chr10:43,102,447, C>T. VCF-style: chr10-43102447-C-T. GRCh37 (hg19) VCF-style: chr10-43597895-C-T.
Other names: c.443C>T, p.Ser148Phe (NM_001406782.1, NM_001406785.1, NM_001406787.1 and 16 more transcripts); short protein forms S148F.
Identifiers: ClinVar variation 856445 (VCV000856445.16), dbSNP rs1837660663, ClinGen allele CA376770840.

ClinVar aggregate classification (germline): Uncertain significance. Review status: criteria provided, multiple submitters, no conflicts (2 of 4 stars). 4 submissions from 4 submitters: Uncertain significance (4). Last evaluated 2025-04-03.

Conditions:
RET-related disorder. Also called: RET-related condition; RET-related disease; RET-related disorders.
Multiple endocrine neoplasia, type 2 (MEN2). Identifiers: Orphanet 653, MedGen C4048306, MONDO:0019003. Disease mechanism: gain of function.
Hirschsprung disease, susceptibility to, 1 (HSCR1). Also called: RET-Related Hirschsprung Disease. Identifiers: Orphanet 388, MedGen C3888239, MONDO:0007723, OMIM 142623.
Pheochromocytoma. Also called: MAX-Related Hereditary Paraganglioma-Pheochromocytoma Syndrome. Identifiers: Orphanet 29072, MedGen C0031511, MONDO:0008233, OMIM 171300, HP:0002666.
Multiple endocrine neoplasia type 2A. Also called: MULTIPLE ENDOCRINE NEOPLASIA, TYPE IIA; PTC SYNDROME; SIPPLE SYNDROME; MEN 2A; MEN-2A syndrome; Pheochromocytoma and amyloid producing medullary thyroid carcinoma. Identifiers: Orphanet 247698, Orphanet 653, MedGen C0025268, MeSH D018813, MONDO:0008234, OMIM 171400.
Familial medullary thyroid carcinoma (MTC). Also called: Thyroid cancer, familial medullary; MTC, familial; Familial Medullary Thyroid Carcinoma (FMTC). Identifiers: Orphanet 653, Orphanet 99361, MedGen C1833921, MONDO:0007958, OMIM 155240.
Multiple endocrine neoplasia type 2B. Also called: MEN 2B; Multiple endocrine neoplasia, type 3; MUCOSAL NEUROMA SYNDROME; MEN IIB; NEUROMATA, MUCOSAL, WITH ENDOCRINE TUMORS; WAGENMANN-FROBOESE SYNDROME. Identifiers: Orphanet 247709, Orphanet 653, MedGen C0025269, MeSH D018814, MONDO:0008082, OMIM 162300.
Hereditary cancer-predisposing syndrome. Also called: Neoplastic Syndromes, Hereditary; Tumor predisposition; Hereditary Cancer Syndrome; Hereditary neoplastic syndrome. Identifiers: Orphanet 140162, MedGen C0027672, MeSH D009386, MONDO:0015356.

Submissions (4):

PreventionGenetics, part of Exact Sciences
Classification: Uncertain significance for RET-related condition. Last evaluated: 2025-04-03. Review status: criteria provided, single submitter. Criteria: ACMG Guidelines, 2015. Collection method: clinical testing. Allele origin: germline.
Comment: The RET c.443C>T variant is predicted to result in the amino acid substitution p.Ser148Phe. To our knowledge, this variant has not been reported in the literature or in a large population database (gnomAD), indicating this variant is rare. This variant has an interpretation of uncertain significance in ClinVar. At this time, the clinical significance of this variant is uncertain due to the absence of conclusive functional and genetic evidence.

Ambry Genetics
Classification: Uncertain significance for Hereditary cancer-predisposing syndrome. Last evaluated: 2025-03-20. Review status: criteria provided, single submitter. Criteria: Ambry Variant Classification Scheme 2023. Collection method: clinical testing. Allele origin: germline.
Comment: The p.S148F variant (also known as c.443C>T), located in coding exon 3 of the RET gene, results from a C to T substitution at nucleotide position 443. The serine at codon 148 is replaced by phenylalanine, an amino acid with highly dissimilar properties. This amino acid position is conserved. In addition, this alteration is predicted to be tolerated by in silico analysis. Since supporting evidence is limited at this time, the clinical significance of this alteration remains unclear.

Labcorp Genetics (formerly Invitae), Labcorp
Classification: Uncertain significance for Multiple endocrine neoplasia, type 2. Last evaluated: 2023-12-17. Review status: criteria provided, single submitter. Criteria: Invitae Variant Classification Sherloc (09022015). Collection method: clinical testing. Allele origin: germline.
Comment: This sequence change replaces serine, which is neutral and polar, with phenylalanine, which is neutral and non-polar, at codon 148 of the RET protein (p.Ser148Phe). This variant is not present in population databases (gnomAD no frequency). This variant has not been reported in the literature in individuals affected with RET-related conditions. ClinVar contains an entry for this variant (Variation ID: 856445). An algorithm developed to predict the effect of missense changes on protein structure and function (PolyPhen-2) suggests that this variant is likely to be tolerated. In summary, the available evidence is currently insufficient to determine the role of this variant in disease. Therefore, it has been classified as a Variant of Uncertain Significance.

Fulgent Genetics
Classification: Uncertain significance for Hirschsprung disease, susceptibility to, 1; Familial medullary thyroid carcinoma; Multiple endocrine neoplasia type 2B; Pheochromocytoma; Multiple endocrine neoplasia type 2A. Last evaluated: 2022-03-30. Review status: criteria provided, single submitter. Criteria: ACMG Guidelines, 2015. Collection method: clinical testing. Allele origin: unknown.